The following is an entry in ClinVar:

ClinVar aggregate classification (germline): Uncertain significance (1 of 4 stars; one submission).

Conditions:
Primary ciliary dyskinesia. Also called: Ciliary dyskinesia. Identifiers: Orphanet 244, MedGen C0008780, MONDO:0016575, HP:0012265.

Submission:

Labcorp Genetics (formerly Invitae), Labcorp
Classification: Uncertain significance for Primary ciliary dyskinesia. Last evaluated: 2022-05-11. Review status: criteria provided, single submitter. Criteria: Invitae Variant Classification Sherloc (09022015). Collection method: clinical testing. Allele origin: germline.
Comment: This variant has not been reported in the literature in individuals affected with DNAH5-related conditions. In summary, the available evidence is currently insufficient to determine the role of this variant in disease. Therefore, it has been classified as a Variant of Uncertain Significance. Advanced modeling of protein sequence and biophysical properties (such as structural, functional, and spatial information, amino acid conservation, physicochemical variation, residue mobility, and thermodynamic stability) performed at Invitae indicates that this missense variant is not expected to disrupt DNAH5 protein function. This variant is not present in population databases (gnomAD no frequency). This sequence change replaces leucine, which is neutral and non-polar, with histidine, which is basic and polar, at codon 1502 of the DNAH5 protein (p.Leu1502His).

NM_001369.3(DNAH5):c.4505T>A (p.Leu1502His)

Genes: DNAH5 (dynein axonemal heavy chain 5; minus strand), DNAH5-AS1 (DNAH5 antisense RNA 1; plus strand). Cytogenetic location: 5p15.2.
Variant type: single nucleotide variant.
Coding change: c.4505T>A on transcript NM_001369.3 (MANE Select); coding-DNA position 4505, T replaced by A.
Protein change: p.Leu1502His; replaces leucine 1502 with histidine.
Molecular consequence: missense variant.
Genome position (GRCh38, 1-based): chr5:13,864,488, A>T on the plus strand (T>A on the coding strand, the complement: DNAH5 is on the minus strand). VCF-style: chr5-13864488-A-T. GRCh37 (hg19) VCF-style: chr5-13864597-A-T.
Other names: short protein forms L1502H.
Identifiers: ClinVar variation 2112882 (VCV002112882.4), dbSNP rs2546978621, ClinGen allele CA359223996.
Genomic context (GRCh38, chr5:13,864,488, plus strand): 5'-GCCTCCATGATATTTCTTAACTTAAAGCTTTCATTCCCCACATCCAGACTGTGCCCGGTG[A>T]GGGTGGTTATCCTTTCCCAGTGCCGCTCCATCATGGCTTTACTGGCCATGTATTCCAGCA-3'
Protein context (NP_001360.1, residues 1492-1512): MERHWERITT[Leu1502His]TGHSLDVGNE